The following is an entry in ClinVar:

NM_001134363.3(RBM20):c.544C>A (p.Pro182Thr)

Gene: RBM20 (RNA binding motif protein 20; plus strand). Cytogenetic location: 10q25.2.
Variant type: single nucleotide variant.
Coding change: c.544C>A on transcript NM_001134363.3 (MANE Select); coding-DNA position 544, C replaced by A.
Protein change: p.Pro182Thr; replaces proline 182 with threonine.
Molecular consequence: missense variant.
Genome position (GRCh38, 1-based): chr10:110,781,153, C>A. VCF-style: chr10-110781153-C-A. GRCh37 (hg19) VCF-style: chr10-112540911-C-A.
Other names: p.P182T:CCC>ACC; short protein forms P182T.
Identifiers: ClinVar variation 44022 (VCV000044022.32), dbSNP rs397516622, ClinGen allele CA133402.

ClinVar aggregate classification (germline): Conflicting classifications of pathogenicity. Review status: criteria provided, conflicting classifications (1 of 4 stars). 12 submissions from 12 submitters: Uncertain significance (7); Likely benign (3). 2 of the submissions do not count toward it. Last evaluated 2026-05-19.

Conditions:
Cardiovascular phenotype. Identifiers: MedGen CN230736.
Cardiomyopathy (CMYO). Also called: Cardiomyopathies. Identifiers: Orphanet 167848, MedGen C0878544, MONDO:0004994, HP:0001638. Inheritance: Various modes of inheritance.
Dilated cardiomyopathy 1DD (CMD1DD). Identifiers: Orphanet 154, MedGen C2750995, MONDO:0013168, OMIM 613172.

Allele frequency attached by ClinVar (database versions not stated): gnomAD 0.00007 and 0.00011; gnomAD exomes 0.00010; TOPMed 0.00011.
gnomAD v4.1: 158 of 1,551,598 alleles (0.01%); highest among the groups gnomAD compares: Non-Finnish European, 0.012%; no homozygotes.

Submissions (12):

Ambry Genetics
Classification: Uncertain significance for Cardiovascular phenotype. Last evaluated: 2026-05-19. Review status: criteria provided, single submitter. Criteria: Ambry Variant Classification Scheme 2023. Collection method: clinical testing. Allele origin: germline.
Comment: The c.544C>A (p.P182T) alteration is located in exon 2 (coding exon 2) of the RBM20 gene. This alteration results from a C to A substitution at nucleotide position 544, causing the proline (P) at amino acid position 182 to be replaced by a threonine (T). Based on data from gnomAD, the A allele has an overall frequency of 0.01% (19/187014) total alleles studied. The highest observed frequency was 0.021% (16/75548) of European (non-Finnish) alleles. Based on insufficient or conflicting evidence, the clinical significance of this alteration remains unclear.

Labcorp Genetics (formerly Invitae), Labcorp
Classification: Likely benign for Dilated cardiomyopathy 1DD. Last evaluated: 2026-02-02. Review status: criteria provided, single submitter. Criteria: Invitae Variant Classification Sherloc (09022015). Collection method: clinical testing. Allele origin: germline.

Molecular Diagnostic Laboratory for Inherited Cardiovascular Disease, Montreal Heart Institute
Classification: Likely benign. Last evaluated: 2025-04-08. Review status: criteria provided, single submitter. Criteria: ACMG Guidelines, 2015. Collection method: clinical testing. Allele origin: germline. Affected: no.
Comment: BP4, BP5

Blueprint Genetics
Classification: Likely benign. Last evaluated: 2024-06-07. Review status: criteria provided, single submitter. Criteria: ACMG Guidelines, 2015. Collection method: clinical testing. Allele origin: germline.

Clinical Genomics Laboratory, Stanford Medicine
Classification: Uncertain significance for Dilated cardiomyopathy 1DD. Last evaluated: 2023-03-01. Review status: criteria provided, single submitter. Criteria: ACMG Guidelines, 2015. Collection method: clinical testing. Allele origin: germline. Observed: 1 variant allele, 1 heterozygote.
Comment: The p.Pro182Thr variant in the RBM20 gene has been previously reported in 1 individual with sudden unexplained death (Lin et al., 2017). This variant has also been identified in 16/75548 European (non-Finnish) chromosomes (19/187014 chromosomes overall) by the Genome Aggregation Database. This variant is present in ClinVar (Accession: VCV000044022.27). Computational tools predict that this variant is neither deleterious nor benign; however, the accuracy of in silico algorithms is limited. These data were assessed using the ACMG/AMP variant interpretation guidelines. In summary, the significance of the p.Pro182Thr variant is uncertain. Additional information is needed to resolve the significance of this variant. [ACMG evidence codes used: none]

Fulgent Genetics
Classification: Uncertain significance for Dilated cardiomyopathy 1DD. Last evaluated: 2021-08-11. Review status: criteria provided, single submitter. Criteria: ACMG Guidelines, 2015. Collection method: clinical testing. Allele origin: unknown.

GeneDx
Classification: Uncertain significance. Last evaluated: 2018-10-01. Review status: criteria provided, single submitter. Criteria: GeneDx Variant Classification (06012015). Collection method: clinical testing. Allele origin: germline. Affected: yes.
Comment: The P182T variant of uncertain significance in the RBM20 gene has not been published as pathogenic or been reported as benign to our knowledge. This variant is observed in 16/72,482 (0.02%) alleles from individuals of European (non-Finnish) background in large population cohorts (Lek et al., 2016). In-silico analyses, including protein predictors and evolutionary conservation, support that this variant does not alter protein structure/function. Nevertheless, the P182T variant is a non-conservative amino acid substitution, which is likely to impact secondary protein structure as these residues differ in polarity, charge, size and/or other properties. Therefore, based on the currently available information, it is unclear whether this variant is pathogenic or rare benign.

Illumina Laboratory Services, Illumina
Classification: Uncertain significance for Dilated cardiomyopathy 1DD. Last evaluated: 2018-01-13. Review status: criteria provided, single submitter. Criteria: ICSL Variant Classification Criteria 13 December 2019. Collection method: clinical testing. Allele origin: germline.

CHEO Genetics Diagnostic Laboratory, Children's Hospital of Eastern Ontario
Classification: Uncertain significance for Cardiomyopathy. Last evaluated: 2017-08-11. Review status: criteria provided, single submitter. Criteria: ACMG Guidelines, 2015. Collection method: clinical testing. Allele origin: germline. Study: Canadian Open Genetics Repository.

Laboratory for Molecular Medicine, Mass General Brigham Personalized Medicine
Classification: Uncertain significance. Last evaluated: 2017-02-06. Review status: criteria provided, single submitter. Criteria: LMM Criteria. Collection method: clinical testing. Allele origin: germline. Observed: 2 variant alleles.
Comment: This variant ha s also been reported in ClinVar (Variation ID 44022). It was absent from large p opulation studies. Computational prediction tools and conservation analysis do n ot provide strong support for or against an impact to the protein. In summary, t he clinical significance of the p.Pro182Thr variant is uncertain.

Clinical Genetics DNA and cytogenetics Diagnostics Lab, Erasmus MC, Erasmus Medical Center
Classification: Uncertain significance. Review status: no assertion criteria provided. Collection method: clinical testing. Allele origin: germline. Affected: yes. Study: VKGL Data-share Consensus. Not counted in ClinVar's aggregate classification.

Clinical Genetics, Academic Medical Center
Classification: Uncertain significance. Review status: no assertion criteria provided. Collection method: clinical testing. Allele origin: germline. Affected: yes. Study: VKGL Data-share Consensus. Not counted in ClinVar's aggregate classification.

Literature cited by the submitters: PubMed 29247119 (cited by Clinical Genomics Laboratory, Stanford Medicine).